The following is an entry in ClinVar:

NM_004990.4(MARS1):c.2569C>T (p.Arg857Ter)

Gene: MARS1 (methionyl-tRNA synthetase 1; plus strand). Cytogenetic location: 12q13.3.
Variant type: single nucleotide variant.
Coding change: c.2569C>T on transcript NM_004990.4 (MANE Select); coding-DNA position 2569, C replaced by T.
Protein change: p.Arg857Ter; replaces arginine 857 with a stop codon.
Molecular consequence: nonsense.
Genome position (GRCh38, 1-based): chr12:57,516,447, C>T. VCF-style: chr12-57516447-C-T. GRCh37 (hg19) VCF-style: chr12-57910230-C-T.
Other names: short protein forms R857*.
Identifiers: ClinVar variation 523880 (VCV000523880.13), dbSNP rs768234938, ClinGen allele CA6650902.
Genomic context (GRCh38, chr12:57,516,447, plus strand): 5'-GATCTTTTTCTTGCCTCACTGTTACCTCCCCACCCCCCTTTATCTTAGGGAAACATTGTC[C>T]GAGAACTGAAAGCACAAAAGGCAGACAAGAACGAGGTTGCTGCGGAGGTGGCGAAACTCT-3'

ClinVar aggregate classification (germline): Uncertain significance. Review status: criteria provided, multiple submitters, no conflicts (2 of 4 stars). 4 submissions from 4 submitters: Uncertain significance (4). Last evaluated 2026-10-05.

Conditions:
Trichothiodystrophy 9, nonphotosensitive (TTD9). Identifiers: MedGen C5562058, MONDO:0030518, OMIM 619692.
Charcot-Marie-Tooth disease axonal type 2U. Also called: CHARCOT-MARIE-TOOTH NEUROPATHY, TYPE 2U; CHARCOT-MARIE-TOOTH DISEASE, AXONAL, AUTOSOMAL DOMINANT, TYPE 2U. Identifiers: Orphanet 397735, MedGen C4084821, MONDO:0014566, OMIM 616280.
Severe early-onset pulmonary alveolar proteinosis due to MARS deficiency. Also called: Interstitial lung and liver disease; PULMONARY ALVEOLAR PROTEINOSIS, REUNION ISLAND. Identifiers: Orphanet 440427, MedGen C4225400, MONDO:0014206, OMIM 615486.

Allele frequency attached by ClinVar (database versions not stated): gnomAD exomes 0.00003; TOPMed 0.00002; ExAC 0.00003; gnomAD 0.00004.
gnomAD v4.1: 74 of 1,612,988 alleles (0.0046%); highest among the groups gnomAD compares: Middle Eastern, 0.016%; no homozygotes.

Submissions (4):

GeneDx
Classification: Uncertain significance. Last evaluated: 2026-10-05. Review status: criteria provided, single submitter. Criteria: GeneDx Variant Classification Process June 2021. Collection method: clinical testing. Allele origin: germline.
Comment: Has not been previously published as pathogenic or benign to our knowledge; Nonsense variant predicted to result in protein truncation as the last 44 amino acid(s) are lost with an unclear effect on protein function

Labcorp Genetics (formerly Invitae), Labcorp
Classification: Uncertain significance for Charcot-Marie-Tooth disease axonal type 2U; Severe early-onset pulmonary alveolar proteinosis due to MARS deficiency. Last evaluated: 2025-03-15. Review status: criteria provided, single submitter. Criteria: Invitae Variant Classification Sherloc (09022015). Collection method: clinical testing. Allele origin: germline.
Comment: This sequence change creates a premature translational stop signal (p.Arg857*) in the MARS gene. While this is not anticipated to result in nonsense mediated decay, it is expected to disrupt the last 44 amino acid(s) of the MARS protein. This variant is present in population databases (rs768234938, gnomAD 0.02%). This variant has not been reported in the literature in individuals affected with MARS-related conditions. ClinVar contains an entry for this variant (Variation ID: 523880). Algorithms developed to predict the effect of sequence changes on RNA splicing suggest that this variant may disrupt the consensus splice site. In summary, the available evidence is currently insufficient to determine the role of this variant in disease. Therefore, it has been classified as a Variant of Uncertain Significance.

Baylor Genetics
Classification: Uncertain significance for Trichothiodystrophy 9, nonphotosensitive. Last evaluated: 2024-02-15. Review status: criteria provided, single submitter. Criteria: ACMG Guidelines, 2015. Collection method: clinical testing. Allele origin: unknown.

Ambry Genetics
Classification: Uncertain significance. Last evaluated: 2019-06-07. Review status: criteria provided, single submitter. Criteria: Ambry Variant Classification Scheme 2023. Collection method: clinical testing. Allele origin: germline.
Comment: The alteration results in a premature stop codon: _x000D_ _x000D_ The c.2569C>T (p.R857*) alteration, located in coding exon 21 of the MARS gene, results from a C to T substitution at nucleotide position 2569. Premature stop codons are typically deleterious in nature; however, this stop codon occurs at the 3' terminus of MARS, is not expected to trigger nonsense-mediated mRNA decay, and a truncated protein could still be expressed (Maquat, 2004). This alteration removes the last 44 amino acids of the protein. The exact functional impact of these removed amino acids is unknown at this time. The alteration has been observed in population databases: _x000D_ _x000D_ Based on data from the Genome Aggregation Database (gnomAD), the c.2569C>T alteration was observed in 0.0032% (9/281,914) of total alleles studied, with a frequency of 0.015% (3/19,920) in the East Asian subpopulation. Based on insufficient or conflicting evidence, the clinical significance of this alteration remains unclear.